The following is an entry in ClinVar:

NM_005562.3(LAMC2):c.343C>T (p.Arg115Ter)

Gene: LAMC2 (laminin subunit gamma 2; plus strand). Cytogenetic location: 1q25.3.
Variant type: single nucleotide variant.
Coding change: c.343C>T on transcript NM_005562.3 (MANE Select); coding-DNA position 343, C replaced by T.
Protein change: p.Arg115Ter; replaces arginine 115 with a stop codon.
Molecular consequence: nonsense.
Genome position (GRCh38, 1-based): chr1:183,215,527, C>T. VCF-style: chr1-183215527-C-T. GRCh37 (hg19) VCF-style: chr1-183184662-C-T.
Other names: c.343C>T, p.Arg115Ter (NM_018891.3); short protein forms R115*.
Identifiers: ClinVar variation 1028397 (VCV001028397.8), dbSNP rs149930148, ClinGen allele CA1282301.
Genomic context (GRCh38, chr1:183,215,527, plus strand): 5'-CGATGTGACAACTCCGGACGGTGCAGCTGTAAACCAGGTGTGACAGGAGCCAGATGCGAC[C>T]GATGTCTGCCAGGCTTCCACATGCTCACGGATGCGGGGTGCACCCAAGACCAGAGACTGC-3'

ClinVar aggregate classification (germline): Pathogenic. Review status: criteria provided, multiple submitters, no conflicts (2 of 4 stars). 2 submissions from 2 submitters: Pathogenic (2). Last evaluated 2022-01-05.

Conditions:
Junctional epidermolysis bullosa gravis of Herlitz. Also called: Herlitz-type junctional epidermolysis bullosa; EPIDERMOLYSIS BULLOSA JUNCTIONALIS, HERLITZ TYPE; EPIDERMOLYSIS BULLOSA, JUNCTIONAL, HERLITZ-PEARSON TYPE; JEB-HERLITZ TYPE; EPIDERMOLYSIS BULLOSA, JUNCTIONAL 1B, SEVERE; Epidermolysis Bullosa Letalis. Identifiers: Orphanet 79404, MedGen C0079683, MONDO:0009182, OMIM 226700.

gnomAD v4.1: 4 of 1,614,180 alleles (0.00025%); highest among the groups gnomAD compares: East Asian, 0.0022%; no homozygotes.

Submissions (2):

Labcorp Genetics (formerly Invitae), Labcorp
Classification: Pathogenic. Last evaluated: 2022-01-05. Review status: criteria provided, single submitter. Criteria: Invitae Variant Classification Sherloc (09022015). Collection method: clinical testing. Allele origin: germline.
Comment: For these reasons, this variant has been classified as Pathogenic. ClinVar contains an entry for this variant (Variation ID: 1028397). This variant has not been reported in the literature in individuals affected with LAMC2-related conditions. This variant is present in population databases (rs149930148, gnomAD 0.006%). This sequence change creates a premature translational stop signal (p.Arg115*) in the LAMC2 gene. It is expected to result in an absent or disrupted protein product. Loss-of-function variants in LAMC2 are known to be pathogenic (PMID: 11907499, 16473856).

Baylor Genetics
Classification: Pathogenic for Junctional epidermolysis bullosa gravis of Herlitz. Last evaluated: 2020-06-10. Review status: criteria provided, single submitter. Criteria: ACMG Guidelines, 2015. Collection method: clinical testing. Allele origin: unknown. Affected: yes.
Comment: This variant was determined to be pathogenic according to ACMG Guidelines, 2015 [PMID:25741868].

Literature cited by the submitters: PubMed 11907499 (cited by Labcorp Genetics (formerly Invitae), Labcorp); PubMed 16473856 (cited by Labcorp Genetics (formerly Invitae), Labcorp).